The following is an entry in ClinVar:

NM_017849.4(TMEM127):c.305T>C (p.Leu102Pro)

Gene: TMEM127 (transmembrane protein 127; minus strand). Cytogenetic location: 2q11.2.
Variant type: single nucleotide variant.
Coding change: c.305T>C on transcript NM_017849.4 (MANE Select); coding-DNA position 305, T replaced by C.
Protein change: p.Leu102Pro; replaces leucine 102 with proline.
Molecular consequence: missense variant.
Genome position (GRCh38, 1-based): chr2:96,254,937, A>G on the plus strand (T>C on the coding strand, the complement: TMEM127 is on the minus strand). VCF-style: chr2-96254937-A-G. GRCh37 (hg19) VCF-style: chr2-96920675-A-G.
Other names: c.305T>C, p.Leu102Pro (NM_001193304.3); c.53T>C, p.Leu18Pro (NM_001407282.1, NM_001407283.1); short protein forms L102P, L18P.
Identifiers: ClinVar variation 3969892 (VCV003969892.1).
Genomic context (GRCh38, chr2:96,254,937, plus strand): 5'-GCAGGATGCTTCGGCCCAAAGACATCCAGAAGGAAAGCGGAGAGACTACACAGGATGCCC[A>G]GGAAACAGAAGGCGGCGATGACCCGCAGGAGCAGCACTGTCTGGGGATTCATGCAGAAAT-3'
Protein context (NP_060319.1, residues 92-112): LLRVIAAFCF[Leu102Pro]GILCSLSAFL

ClinVar aggregate classification (germline): Uncertain significance (1 of 4 stars; one submission).

Conditions:
Hereditary cancer-predisposing syndrome. Also called: Tumor predisposition; Hereditary neoplastic syndrome; Hereditary Cancer Syndrome; Neoplastic Syndromes, Hereditary. Identifiers: Orphanet 140162, MedGen C0027672, MeSH D009386, MONDO:0015356.

Submission:

Ambry Genetics
Classification: Uncertain significance for Hereditary cancer-predisposing syndrome. Last evaluated: 2025-04-20. Review status: criteria provided, single submitter. Criteria: Ambry Variant Classification Scheme 2023. Collection method: clinical testing. Allele origin: germline.
Comment: The p.L102P variant (also known as c.305T>C), located in coding exon 2 of the TMEM127 gene, results from a T to C substitution at nucleotide position 305. The leucine at codon 102 is replaced by proline, an amino acid with similar properties. This amino acid position is conserved. In addition, this alteration is predicted to be deleterious by in silico analysis. Based on the available evidence, the clinical significance of this variant remains unclear.